The following is an entry in ClinVar:

NM_003076.5(SMARCD1):c.898C>A (p.Arg300Ser)

Gene: SMARCD1 (SWI/SNF related BAF chromatin remodeling complex subunit D1; plus strand). Cytogenetic location: 12q13.12.
Variant type: single nucleotide variant.
Coding change: c.898C>A on transcript NM_003076.5 (MANE Select); coding-DNA position 898, C replaced by A.
Protein change: p.Arg300Ser; replaces arginine 300 with serine.
Molecular consequence: missense variant.
Genome position (GRCh38, 1-based): chr12:50,090,265, C>A. VCF-style: chr12-50090265-C-A. GRCh37 (hg19) VCF-style: chr12-50484048-C-A.
Other names: c.898C>A, p.Arg300Ser (NM_139071.3); short protein forms R300S.
Identifiers: ClinVar variation 1345008 (VCV001345008.3), dbSNP rs1319486448, ClinGen allele CA384791377.

ClinVar aggregate classification (germline): Uncertain significance (1 of 4 stars; one submission).

gnomAD v4.1: 1 of 1,613,540 alleles (0.000062%); highest among the groups gnomAD compares: Admixed American, 0.0017%; no homozygotes.

Submission:

GeneDx
Classification: Uncertain significance. Last evaluated: 2024-09-03. Review status: criteria provided, single submitter. Criteria: GeneDx Variant Classification Process June 2021. Collection method: clinical testing. Allele origin: germline. Affected: yes.
Comment: Not observed at significant frequency in large population cohorts (gnomAD); In silico analysis supports that this missense variant has a deleterious effect on protein structure/function; Has not been previously published as pathogenic or benign to our knowledge